The following is an entry in ClinVar:

NM_001035.3(RYR2):c.345C>T (p.Tyr115=)

Gene: RYR2 (ryanodine receptor 2; plus strand). Cytogenetic location: 1q43.
Variant type: single nucleotide variant.
Coding change: c.345C>T on transcript NM_001035.3 (MANE Select); coding-DNA position 345, C replaced by T.
Protein change: p.Tyr115=; no amino-acid change (tyrosine 115 retained).
Molecular consequence: synonymous variant.
Genome position (GRCh38, 1-based): chr1:237,369,569, C>T. VCF-style: chr1-237369569-C-T. GRCh37 (hg19) VCF-style: chr1-237532869-C-T.
Identifiers: ClinVar variation 43771 (VCV000043771.21), dbSNP rs397516525, ClinGen allele CA009234.

ClinVar aggregate classification (germline): Benign/Likely benign. Review status: criteria provided, multiple submitters, no conflicts (2 of 4 stars). 6 submissions from 6 submitters: Benign (2); Likely benign (4). Last evaluated 2026-01-20.

Conditions:
Cardiovascular phenotype. Identifiers: MedGen CN230736.
Catecholaminergic polymorphic ventricular tachycardia 1. Also called: VENTRICULAR TACHYCARDIA, CATECHOLAMINERGIC POLYMORPHIC, 1, WITH OR WITHOUT ATRIAL DYSFUNCTION AND/OR DILATED CARDIOMYOPATHY; VENTRICULAR TACHYCARDIA, STRESS-INDUCED POLYMORPHIC 1; RYR2-Related Catecholaminergic Polymorphic Ventricular Tachycardia. Identifiers: Orphanet 3286, MedGen C1631597, MONDO:0011484, OMIM 604772.
Cardiomyopathy (CMYO). Also called: Cardiomyopathies. Identifiers: Orphanet 167848, MedGen C0878544, MONDO:0004994, HP:0001638. Inheritance: Various modes of inheritance.
Catecholaminergic polymorphic ventricular tachycardia (CVPT). Also called: Catecholamine-induced polymorphic ventricular tachycardia. Identifiers: Orphanet 3286, MedGen C5574922, MONDO:0017990.

Allele frequency attached by ClinVar (database versions not stated): TOPMed 0.00003; gnomAD 0.00004 and 0.00005; gnomAD exomes 0.00006 and 0.00015; ExAC 0.00040.
gnomAD v4.1: 83 of 1,565,188 alleles (0.0053%); highest among the groups gnomAD compares: South Asian, 0.066%; no homozygotes.

Submissions (6):

Labcorp Genetics (formerly Invitae), Labcorp
Classification: Benign for Catecholaminergic polymorphic ventricular tachycardia 1. Last evaluated: 2026-01-20. Review status: criteria provided, single submitter. Criteria: Invitae Variant Classification Sherloc (09022015). Collection method: clinical testing. Allele origin: germline.

Blueprint Genetics
Classification: Likely benign. Last evaluated: 2023-10-31. Review status: criteria provided, single submitter. Criteria: ACMG Guidelines, 2015. Collection method: clinical testing. Allele origin: germline.

All of Us Research Program, National Institutes of Health
Classification: Likely benign for Catecholaminergic polymorphic ventricular tachycardia. Last evaluated: 2023-08-15. Review status: criteria provided, single submitter. Criteria: ACMG Guidelines, 2015. Collection method: clinical testing. Allele origin: germline. Inheritance: Autosomal dominant inheritance. Observed: 4 variant alleles, 4 heterozygotes.
Comment: This study involves interpretation of variants in research participants for the purpose of population health screening. Participant phenotype was not available at the time of variant classification. Additional details can be found in publication PMID: 35346344, PMCID: PMC8962531

Ambry Genetics
Classification: Benign for Cardiovascular phenotype. Last evaluated: 2021-06-03. Review status: criteria provided, single submitter. Criteria: Ambry Variant Classification Scheme 2023. Collection method: clinical testing. Allele origin: germline.

Color Diagnostics, LLC DBA Color Health
Classification: Likely benign for Cardiomyopathy. Last evaluated: 2018-09-28. Review status: criteria provided, single submitter. Criteria: ACMG Guidelines, 2015. Collection method: clinical testing. Allele origin: germline.

Laboratory for Molecular Medicine, Mass General Brigham Personalized Medicine
Classification: Likely benign. Last evaluated: 2012-08-22. Review status: criteria provided, single submitter. Criteria: LMM Criteria. Collection method: clinical testing. Allele origin: germline. Observed: 1 variant allele.
Comment: Tyr115Tyr in exon 6 of RYR2: This variant is not expected to have clinical signi ficance because it does not alter an amino acid residue and is not located withi n the splice consensus sequence. Tyr115Tyr in exon 6 of RYR2 (allele frequency = n/a)